The following is an entry in ClinVar:

NM_020631.6(PLEKHG5):c.1951T>G (p.Tyr651Asp)

Gene: PLEKHG5 (pleckstrin homology and RhoGEF domain containing G5; minus strand). Cytogenetic location: 1p36.31.
Variant type: single nucleotide variant.
Coding change: c.1951T>G on transcript NM_020631.6 (MANE Select); coding-DNA position 1951, T replaced by G.
Protein change: p.Tyr651Asp; replaces tyrosine 651 with aspartic acid.
Molecular consequence: missense variant.
Genome position (GRCh38, 1-based): chr1:6,469,433, A>C on the plus strand (T>G on the coding strand, the complement: PLEKHG5 is on the minus strand). VCF-style: chr1-6469433-A-C. GRCh37 (hg19) VCF-style: chr1-6529493-A-C.
Other names: c.2062T>G, p.Tyr688Asp (NM_001042663.3, NM_001265592.2); c.1951T>G, p.Tyr651Asp (NM_001042664.2, NM_001042665.2, NM_001265594.3 and 1 more transcripts); c.2158T>G, p.Tyr720Asp (NM_001265593.2); short protein forms Y720D, Y688D, Y651D.
Identifiers: ClinVar variation 1365463 (VCV001365463.8), dbSNP rs1644501019, ClinGen allele CA338119876.

ClinVar aggregate classification (germline): Uncertain significance (1 of 4 stars; one submission).

Conditions:
Neuronopathy, distal hereditary motor, autosomal recessive 4. Also called: Autosomal recessive lower motor neuron disease with childhood onset; NEUROPATHY, DISTAL HEREDITARY MOTOR, AUTOSOMAL RECESSIVE 4. Identifiers: Orphanet 206580, MedGen C1970211, MONDO:0012608, OMIM 611067.
Charcot-Marie-Tooth disease recessive intermediate C. Also called: CHARCOT-MARIE-TOOTH NEUROPATHY, RECESSIVE INTERMEDIATE C. Identifiers: Orphanet 369867, MedGen C3809309, MONDO:0014154, OMIM 615376.

Allele frequency attached by ClinVar (database versions not stated): gnomAD exomes below 0.00001; TOPMed below 0.00001; gnomAD 0.00001.
gnomAD v4.1: 2 of 1,613,940 alleles (0.00012%); highest among the groups gnomAD compares: Non-Finnish European, 0.00017%; no homozygotes.

Submission:

Labcorp Genetics (formerly Invitae), Labcorp
Classification: Uncertain significance for Neuronopathy, distal hereditary motor, autosomal recessive 4; Charcot-Marie-Tooth disease recessive intermediate C. Last evaluated: 2021-07-03. Review status: criteria provided, single submitter. Criteria: Invitae Variant Classification Sherloc (09022015). Collection method: clinical testing. Allele origin: germline.
Comment: This variant is not present in population databases (ExAC no frequency). This variant has not been reported in the literature in individuals affected with PLEKHG5-related conditions. Algorithms developed to predict the effect of missense changes on protein structure and function are either unavailable or do not agree on the potential impact of this missense change (SIFT: "Deleterious"; PolyPhen-2: "Benign"; Align-GVGD: "Class C0"). In summary, the available evidence is currently insufficient to determine the role of this variant in disease. Therefore, it has been classified as a Variant of Uncertain Significance. This sequence change replaces tyrosine with aspartic acid at codon 651 of the PLEKHG5 protein (p.Tyr651Asp). The tyrosine residue is moderately conserved and there is a large physicochemical difference between tyrosine and aspartic acid.